The following is an entry in ClinVar:

ClinVar aggregate classification (germline): Conflicting classifications of pathogenicity. Review status: criteria provided, conflicting classifications (1 of 4 stars). 3 submissions from 3 submitters: Uncertain significance (1); Likely benign (2). Last evaluated 2025-02-06.

Conditions:
Syndromic intellectual disability. Also called: Intellectual disability syndrome. Identifiers: Orphanet 183763, MedGen C5680525, MONDO:0000508.

Allele frequency attached by ClinVar (database versions not stated): ExAC 0.00004; gnomAD 0.00005; gnomAD exomes 0.00005; TOPMed 0.00006; 1000 Genomes Project 30x 0.00016; 1000 Genomes Project 0.00020.
gnomAD v4.1: 93 of 1,614,114 alleles (0.0058%); highest among the groups gnomAD compares: East Asian, 0.082%; 1 homozygote.

Submissions (3):

Labcorp Genetics (formerly Invitae), Labcorp
Classification: Uncertain significance. Last evaluated: 2025-02-06. Review status: criteria provided, single submitter. Criteria: Invitae Variant Classification Sherloc (09022015). Collection method: clinical testing. Allele origin: germline.
Comment: This sequence change replaces proline, which is neutral and non-polar, with leucine, which is neutral and non-polar, at codon 320 of the AUTS2 protein (p.Pro320Leu). This variant is present in population databases (rs540878144, gnomAD 0.06%), and has an allele count higher than expected for a pathogenic variant. This variant has not been reported in the literature in individuals affected with AUTS2-related conditions. ClinVar contains an entry for this variant (Variation ID: 2780586). Invitae Evidence Modeling of protein sequence and biophysical properties (such as structural, functional, and spatial information, amino acid conservation, physicochemical variation, residue mobility, and thermodynamic stability) indicates that this missense variant is not expected to disrupt AUTS2 protein function with a negative predictive value of 80%. In summary, the available evidence is currently insufficient to determine the role of this variant in disease. Therefore, it has been classified as a Variant of Uncertain Significance.

CeGaT Center for Human Genetics Tuebingen
Classification: Likely benign. Last evaluated: 2024-07-01. Review status: criteria provided, single submitter. Criteria: CeGaT Center For Human Genetics Tuebingen Variant Classification Criteria Version 2. Collection method: clinical testing. Allele origin: germline. Affected: yes. Observed: 1 variant allele.
Comment: AUTS2: BP4

Department of Pathology and Laboratory Medicine, Sinai Health System
Classification: Likely benign for syndromic intellectual disability. Last evaluated: 2021-12-01. Review status: criteria provided, single submitter. Criteria: ACMG Guidelines, 2015. Collection method: research. Allele origin: germline.

NM_015570.4(AUTS2):c.959C>T (p.Pro320Leu)

Gene: AUTS2 (activator of transcription and developmental regulator AUTS2; plus strand). Cytogenetic location: 7q11.22.
Variant type: single nucleotide variant.
Coding change: c.959C>T on transcript NM_015570.4 (MANE Select); coding-DNA position 959, C replaced by T.
Protein change: p.Pro320Leu; replaces proline 320 with leucine.
Molecular consequence: missense variant.
Genome position (GRCh38, 1-based): chr7:70,763,086, C>T. VCF-style: chr7-70763086-C-T. GRCh37 (hg19) VCF-style: chr7-70228072-C-T.
Other names: c.959C>T, p.Pro320Leu (NM_001127231.3); short protein forms P320L.
Identifiers: ClinVar variation 2780586 (VCV002780586.21), dbSNP rs540878144, ClinGen allele CA4280520.